The following is an entry in ClinVar:

NM_002524.5(NRAS):c.380C>G (p.Thr127Arg)

Gene: NRAS (NRAS proto-oncogene, GTPase; minus strand). Cytogenetic location: 1p13.2.
Variant type: single nucleotide variant.
Coding change: c.380C>G on transcript NM_002524.5 (MANE Select); coding-DNA position 380, C replaced by G.
Protein change: p.Thr127Arg; replaces threonine 127 with arginine.
Molecular consequence: missense variant.
Genome position (GRCh38, 1-based): chr1:114,709,639, G>C on the plus strand (C>G on the coding strand, the complement: NRAS is on the minus strand). VCF-style: chr1-114709639-G-C. GRCh37 (hg19) VCF-style: chr1-115252260-G-C.
Other names: short protein forms T127R.
Identifiers: ClinVar variation 291976 (VCV000291976.11), dbSNP rs779899354, ClinGen allele CA1020717.
Genomic context (GRCh38, chr1:114,709,639, plus strand): 5'-TTGGCTGAGGTTTCAATGAATGGAATCCCGTAACTCTTGGCCAGTTCGTGGGCTTGTTTT[G>C]TATCAACTGTCCTTGTTGGCAAATCACACTTGTTTCCCACTAGCACCATAGGTACATCAT-3'
Protein context (NP_002515.1, residues 117-137): KCDLPTRTVD[Thr127Arg]KQAHELAKSY

ClinVar aggregate classification (germline): Uncertain significance. Review status: criteria provided, multiple submitters, no conflicts (2 of 4 stars). 3 submissions from 3 submitters: Uncertain significance (3). Last evaluated 2026-02-01.

Conditions:
Cardiovascular phenotype. Identifiers: MedGen CN230736.
Noonan syndrome 6 (NS6). Also called: NRAS-Related Noonan Syndrome. Identifiers: Orphanet 648, MedGen C2750732, MONDO:0013186, OMIM 613224.

Allele frequency attached by ClinVar (database versions not stated): gnomAD exomes below 0.00001; ExAC 0.00001.
gnomAD v4.1: 2 of 1,613,776 alleles (0.00012%); highest among the groups gnomAD compares: Non-Finnish European, 0.00017%; no homozygotes.

Submissions (3):

CeGaT Center for Human Genetics Tuebingen
Classification: Uncertain significance. Last evaluated: 2026-02-01. Review status: criteria provided, single submitter. Criteria: CeGaT Center For Human Genetics Tuebingen Variant Classification Criteria Version 2. Collection method: clinical testing. Allele origin: germline. Affected: yes. Observed: 1 variant allele.

Ambry Genetics
Classification: Uncertain significance for Cardiovascular phenotype. Last evaluated: 2022-03-12. Review status: criteria provided, single submitter. Criteria: Ambry Variant Classification Scheme 2023. Collection method: clinical testing. Allele origin: germline.
Comment: The p.T127R variant (also known as c.380C>G), located in coding exon 3 of the NRAS gene, results from a C to G substitution at nucleotide position 380. The threonine at codon 127 is replaced by arginine, an amino acid with similar properties. This amino acid position is conserved. In addition, this alteration is predicted to be deleterious by in silico analysis. Since supporting evidence is limited at this time, the clinical significance of this alteration remains unclear.

Illumina Laboratory Services, Illumina
Classification: Uncertain significance for Noonan syndrome 6. Last evaluated: 2018-01-13. Review status: criteria provided, single submitter. Criteria: ICSL Variant Classification Criteria 13 December 2019. Collection method: clinical testing. Allele origin: germline.